The following is an entry in ClinVar:

ClinVar aggregate classification (germline): Uncertain significance (1 of 4 stars; one submission).

Submission:

Labcorp Genetics (formerly Invitae), Labcorp
Classification: Uncertain significance. Last evaluated: 2024-08-02. Review status: criteria provided, single submitter. Criteria: Invitae Variant Classification Sherloc (09022015). Collection method: clinical testing. Allele origin: germline.
Comment: This sequence change replaces methionine, which is neutral and non-polar, with isoleucine, which is neutral and non-polar, at codon 527 of the FZD2 protein (p.Met527Ile). This variant is not present in population databases (gnomAD no frequency). This variant has not been reported in the literature in individuals affected with FZD2-related conditions. Advanced modeling of protein sequence and biophysical properties (such as structural, functional, and spatial information, amino acid conservation, physicochemical variation, residue mobility, and thermodynamic stability) performed at Invitae indicates that this missense variant is expected to disrupt FZD2 protein function with a positive predictive value of 80%. In summary, the available evidence is currently insufficient to determine the role of this variant in disease. Therefore, it has been classified as a Variant of Uncertain Significance.

NM_001466.4(FZD2):c.1581G>A (p.Met527Ile)

Gene: FZD2 (frizzled class receptor 2; plus strand). Cytogenetic location: 17q21.31.
Variant type: single nucleotide variant.
Coding change: c.1581G>A on transcript NM_001466.4 (MANE Select); coding-DNA position 1581, G replaced by A.
Protein change: p.Met527Ile; replaces methionine 527 with isoleucine.
Molecular consequence: missense variant.
Genome position (GRCh38, 1-based): chr17:44,559,269, G>A. VCF-style: chr17-44559269-G-A. GRCh37 (hg19) VCF-style: chr17-42636637-G-A.
Other names: short protein forms M527I.
Identifiers: ClinVar variation 3649615 (VCV003649615.2).